The following is an entry in ClinVar:

NM_025114.4(CEP290):c.5127G>T (p.Gln1709His)

Gene: CEP290 (centrosomal protein 290; minus strand). Cytogenetic location: 12q21.32.
Variant type: single nucleotide variant.
Coding change: c.5127G>T on transcript NM_025114.4 (MANE Select); coding-DNA position 5127, G replaced by T.
Protein change: p.Gln1709His; replaces glutamine 1709 with histidine.
Molecular consequence: missense variant.
Genome position (GRCh38, 1-based): chr12:88,080,281, C>A on the plus strand (G>T on the coding strand, the complement: CEP290 is on the minus strand). VCF-style: chr12-88080281-C-A. GRCh37 (hg19) VCF-style: chr12-88474058-C-A.
Other names: short protein forms Q1709H.
Identifiers: ClinVar variation 701271 (VCV000701271.21), dbSNP rs757738553, ClinGen allele CA6711789.
Genomic context (GRCh38, chr12:88,080,281, plus strand): 5'-CCGTTCTACTAGATTTCTCATTGTAGTTGTTGGAGCTCTTGAATTTGCTTCTTTTTGAGC[C>A]TGAAGTTCAGATTTTAAACACTGTGACTCCTTTTGTGACTGGTCCAGAAGATACTTTAAA-3'
Protein context (NP_079390.3, residues 1699-1719): KESQCLKSEL[Gln1709His]AQKEANSRAP

ClinVar aggregate classification (germline): Conflicting classifications of pathogenicity. Review status: criteria provided, conflicting classifications (1 of 4 stars). 10 submissions from 6 submitters: Uncertain significance (8); Likely benign (1). 1 of the submissions does not count toward it. Last evaluated 2026-01-19.

Conditions:
Leber congenital amaurosis 10 (LCA10). Identifiers: Orphanet 65, MedGen C1857821, MONDO:0012723, OMIM 611755.
Bardet-Biedl syndrome 14 (BBS14). Identifiers: Orphanet 110, MedGen C2673874, MONDO:0014442, OMIM 615991.
Joubert syndrome 5 (JBTS5). Identifiers: Orphanet 2318, MedGen C1857780, MONDO:0012432, OMIM 610188.
Senior-Loken syndrome 6 (SLSN6). Identifiers: Orphanet 3156, MedGen C1857779, MONDO:0012433, OMIM 610189.
CEP290-related disorder. Also called: CEP290-related condition; CEP290-related disorders. Identifiers: MedGen CN239314.
Meckel syndrome, type 4 (MKS4). Also called: MECKEL-GRUBER SYNDROME, TYPE 4. Identifiers: Orphanet 564, MedGen C1970161, MONDO:0012626, OMIM 611134.
Nephronophthisis. Also called: Juvenile Nephronophthisis. Identifiers: Orphanet 655, MedGen C0687120, MONDO:0019005, HP:0000090.
Meckel-Gruber syndrome. Also called: DYSENCEPHALIA SPLANCHNOCYSTICA; GRUBER SYNDROME; Dysencephalia splachnocystica. Identifiers: Orphanet 564, MedGen C0265215, MONDO:0018921.
Joubert syndrome. Also called: JOUBERT-BOLTSHAUSER SYNDROME; Familial aplasia of the vermis. Identifiers: Orphanet 475, MedGen C5979921, MONDO:0018772.

Allele frequency attached by ClinVar (database versions not stated): gnomAD exomes 0.00003 and 0.00017; gnomAD 0.00005; TOPMed 0.00010; ExAC 0.00013.

Submissions (10):

Labcorp Genetics (formerly Invitae), Labcorp
Classification: Likely benign for Joubert syndrome; Meckel-Gruber syndrome; Nephronophthisis. Last evaluated: 2026-01-19. Review status: criteria provided, single submitter. Criteria: Invitae Variant Classification Sherloc (09022015). Collection method: clinical testing. Allele origin: germline.

Blueprint Genetics
Classification: Uncertain significance. Last evaluated: 2024-10-08. Review status: criteria provided, single submitter. Criteria: ACMG Guidelines, 2015. Collection method: clinical testing. Allele origin: germline.

GeneDx
Classification: Uncertain significance. Last evaluated: 2024-05-29. Review status: criteria provided, single submitter. Criteria: GeneDx Variant Classification Process June 2021. Collection method: clinical testing. Allele origin: germline. Affected: yes.
Comment: Observed in patient with polycystic kidney disease; however, other variants in other genes were also identified (PMID: 31056860); In silico analysis indicates that this missense variant does not alter protein structure/function; This variant is associated with the following publications: (PMID: 31056860)

Fulgent Genetics
Classification: Uncertain significance for Joubert syndrome 5; Senior-Loken syndrome 6; Meckel syndrome, type 4; Leber congenital amaurosis 10; Bardet-Biedl syndrome 14. Last evaluated: 2024-05-14. Review status: criteria provided, single submitter. Criteria: ACMG Guidelines, 2015. Collection method: clinical testing. Allele origin: germline.

Illumina Laboratory Services, Illumina
Classification: Uncertain significance for Leber congenital amaurosis 10. Last evaluated: 2017-04-27. Review status: criteria provided, single submitter. Criteria: ICSL Variant Classification Criteria 13 December 2019. Collection method: clinical testing. Allele origin: germline.

Illumina Laboratory Services, Illumina
Classification: Uncertain significance for Joubert syndrome 5. Last evaluated: 2017-04-27. Review status: criteria provided, single submitter. Criteria: ICSL Variant Classification Criteria 13 December 2019. Collection method: clinical testing. Allele origin: germline.

Illumina Laboratory Services, Illumina
Classification: Uncertain significance for Meckel syndrome, type 4. Last evaluated: 2017-04-27. Review status: criteria provided, single submitter. Criteria: ICSL Variant Classification Criteria 13 December 2019. Collection method: clinical testing. Allele origin: germline.

Illumina Laboratory Services, Illumina
Classification: Uncertain significance for Senior-Loken syndrome 6. Last evaluated: 2017-04-27. Review status: criteria provided, single submitter. Criteria: ICSL Variant Classification Criteria 13 December 2019. Collection method: clinical testing. Allele origin: germline.

Illumina Laboratory Services, Illumina
Classification: Uncertain significance for Bardet-Biedl syndrome 14. Last evaluated: 2017-04-27. Review status: criteria provided, single submitter. Criteria: ICSL Variant Classification Criteria 13 December 2019. Collection method: clinical testing. Allele origin: germline.

PreventionGenetics, part of Exact Sciences
Classification: Uncertain significance for CEP290-related condition. Last evaluated: 2023-11-20. Review status: no assertion criteria provided. Collection method: clinical testing. Allele origin: germline. Not counted in ClinVar's aggregate classification.
Comment: The CEP290 c.5127G>T variant is predicted to result in the amino acid substitution p.Gln1709His. This variant has been reported in an individual with unilateral polycystic kidney disease, along with two other variants in other genes (patient 47, Wang et al. 2019. PubMed ID: 31056860). This variant is reported in 0.24% of alleles in individuals of East Asian descent in gnomAD, which is too frequent and likely does not constitute a pathogenic variant for Mendelian disease. Although we suspect that this variant may be benign, at this time, the clinical significance of this variant is uncertain due to the absence of conclusive functional and genetic evidence.